The following is an entry in ClinVar:

ClinVar aggregate classification (germline): Uncertain significance (1 of 4 stars; one submission).

Conditions:
Cornelia de Lange syndrome 1 (CDLS1). Also called: NIPBL-Related Cornelia de Lange Syndrome; Brachmann de Lange syndrome; TYPUS DEGENERATIVUS AMSTELODAMENSIS. Identifiers: Orphanet 199, MedGen C4551851, MONDO:0007387, OMIM 122470.

Submission:

3billion
Classification: Uncertain significance for Cornelia de Lange syndrome 1. Last evaluated: 2025-10-08. Review status: criteria provided, single submitter. Criteria: ACMG Guidelines, 2015. Collection method: clinical testing. Allele origin: germline. Affected: yes.
Comment: The variant is not observed in the gnomAD v4.1.0 dataset. Predicted Consequence/Location: Missense variant In silico tool predictions suggest damaging effect of the variant on gene or gene product [REVEL: 0.80 (>=0.6, sensitivity 0.68 and specificity 0.92); 3Cnet: 0.82 (> 0.75, sensitivity 0.96 and precision 0.92)]. Therefore, this variant is classified as VUS according to the recommendation of ACMG/AMP guideline.

NM_133433.4(NIPBL):c.8231A>G (p.Tyr2744Cys)

Gene: NIPBL (NIPBL cohesin loading factor; plus strand). Cytogenetic location: 5p13.2.
Variant type: single nucleotide variant.
Coding change: c.8231A>G on transcript NM_133433.4 (MANE Select); coding-DNA position 8231, A replaced by G.
Protein change: p.Tyr2744Cys; replaces tyrosine 2744 with cysteine.
Molecular consequence: missense variant. On other transcripts: 3 prime UTR variant (2).
Genome position (GRCh38, 1-based): chr5:37,064,708, A>G. VCF-style: chr5-37064708-A-G. GRCh37 (hg19) VCF-style: chr5-37064810-A-G.
Other names: c.*175A>G (NM_001438586.1); c.*685A>G (NM_015384.5); short protein forms Y2744C.
Identifiers: ClinVar variation 4855737 (VCV004855737.1).